The following is an entry in ClinVar:

ClinVar aggregate classification (germline): Likely pathogenic. Review status: criteria provided, single submitter (1 of 4 stars). 2 submissions from 2 submitters: Likely pathogenic (1). 1 of the submissions does not count toward it. Last evaluated 2025-05-19.

Conditions:
Ichthyosis bullosa of Siemens (IBS). Also called: Superficial epidermolytic ichthyosis. Identifiers: Orphanet 455, MedGen C0432306, MONDO:0007813, OMIM 146800.

Submissions (2):

Institute of Human Genetics, University of Leipzig Medical Center
Classification: Likely pathogenic for Ichthyosis bullosa of Siemens. Last evaluated: 2025-05-19. Review status: criteria provided, single submitter. Criteria: ACMG Guidelines, 2015. Collection method: clinical testing. Allele origin: unknown. Inheritance: Autosomal dominant inheritance. Affected: yes.
Comment: Criteria applied: PM1,PM2,PS4_SUP,PP3

OMIM
Classification: Pathogenic for ICHTHYOSIS BULLOSA OF SIEMENS. Last evaluated: 1994-09-01. Review status: no assertion criteria provided. Collection method: literature only. Allele origin: germline. Not counted in ClinVar's aggregate classification.

Literature cited by the submitters: PubMed 8077693 (cited by OMIM); PubMed 1380918 (cited by OMIM).

NM_000423.3(KRT2):c.542A>C (p.Gln181Pro)

Gene: KRT2 (keratin 2; minus strand). Cytogenetic location: 12q13.13.
Variant type: single nucleotide variant.
Coding change: c.542A>C on transcript NM_000423.3 (MANE Select); coding-DNA position 542, A replaced by C.
Protein change: p.Gln181Pro; replaces glutamine 181 with proline.
Molecular consequence: missense variant.
Genome position (GRCh38, 1-based): chr12:52,651,601, T>G on the plus strand (A>C on the coding strand, the complement: KRT2 is on the minus strand). VCF-style: chr12-52651601-T-G. GRCh37 (hg19) VCF-style: chr12-53045385-T-G.
Other names: Q187P; short protein forms Q181P.
Identifiers: ClinVar variation 9311 (VCV000009311.2), dbSNP rs57510142, ClinGen allele CA120292.
Genomic context (GRCh38, chr12:52,651,601, plus strand): 5'-GTCTTCTCCAGAGTCACCTTGTCAATGAAGGAGGCAAATTTGTTGTTGAGAGTTTTGATC[T>G]GCTCACGCTCTTGGGCCTTCACATTCTGGATCTCTGGGTCAACTTTCACGTTGAGAGGCT-3'
Protein context (NP_000414.2, residues 171-191): IQNVKAQERE[Gln181Pro]IKTLNNKFAS